The following is an entry in ClinVar:

ClinVar aggregate classification (germline): Uncertain significance (1 of 4 stars; one submission).

Submission:

GeneDx
Classification: Uncertain significance. Last evaluated: 2021-12-07. Review status: criteria provided, single submitter. Criteria: GeneDx Variant Classification Process June 2021. Collection method: clinical testing. Allele origin: germline. Affected: yes.
Comment: Not observed at significant frequency in large population cohorts (Lek et al., 2016); In silico analysis supports that this missense variant has a deleterious effect on protein structure/function; Has not been previously published as pathogenic or benign to our knowledge

NM_002526.4(NT5E):c.1271T>G (p.Val424Gly)

Gene: NT5E (5'-nucleotidase ecto; plus strand). Cytogenetic location: 6q14.3.
Variant type: single nucleotide variant.
Coding change: c.1271T>G on transcript NM_002526.4 (MANE Select); coding-DNA position 1271, T replaced by G.
Protein change: p.Val424Gly; replaces valine 424 with glycine.
Molecular consequence: missense variant. On other transcripts: intron variant (1).
Genome position (GRCh38, 1-based): chr6:85,490,568, T>G. VCF-style: chr6-85490568-T-G. GRCh37 (hg19) VCF-style: chr6-86200286-T-G.
Other names: c.1210+969T>G (NM_001204813.2); short protein forms V424G.
Identifiers: ClinVar variation 1327661 (VCV001327661.2), dbSNP rs2127725547, ClinGen allele CA364891520.